The following is an entry in ClinVar:

ClinVar aggregate classification (germline): Uncertain significance. Review status: criteria provided, multiple submitters, no conflicts (2 of 4 stars). 2 submissions from 2 submitters: Uncertain significance (2). Last evaluated 2026-01-04.

Conditions:
Polycystic liver disease 4 with or without kidney cysts. Identifiers: MedGen C4693479, MONDO:0044327, OMIM 617875.
Exudative vitreoretinopathy 4 (EVR4). Identifiers: Orphanet 891, MedGen C1866176, MONDO:0011151, OMIM 601813.
Worth disease. Also called: Autosomal dominant osteosclerosis, Worth type; ENDOSTEAL HYPEROSTOSIS, AUTOSOMAL DOMINANT; OSTEOSCLEROSIS, AUTOSOMAL DOMINANT. Identifiers: Orphanet 2790, MedGen C0432273, MONDO:0007764, OMIM 144750.
Bone mineral density quantitative trait locus 1 (BMND1). Identifiers: MedGen C1866079, OMIM 601884.
Autosomal dominant osteopetrosis 1 (OPTA1). Also called: OSTEOPETROSIS, AUTOSOMAL DOMINANT, TYPE I. Identifiers: Orphanet 2783, MedGen C1843330, MONDO:0011877, OMIM 607634.
Osteoporosis with pseudoglioma (OPPG). Also called: osteoporosis-pseudoglioma syndrome. Identifiers: Orphanet 2788, MedGen C0432252, MONDO:0009820, OMIM 259770.

gnomAD v4.1: 5 of 1,614,100 alleles (0.00031%); highest among the groups gnomAD compares: South Asian, 0.0044%; no homozygotes.

Submissions (2):

Labcorp Genetics (formerly Invitae), Labcorp
Classification: Uncertain significance. Last evaluated: 2026-01-04. Review status: criteria provided, single submitter. Criteria: Invitae Variant Classification Sherloc (09022015). Collection method: clinical testing. Allele origin: germline.
Comment: This sequence change replaces glycine, which is neutral and non-polar, with serine, which is neutral and polar, at codon 106 of the LRP5 protein (p.Gly106Ser). This variant is not present in population databases (gnomAD no frequency). This variant has not been reported in the literature in individuals affected with LRP5-related conditions. ClinVar contains an entry for this variant (Variation ID: 3600177). Invitae Evidence Modeling of protein sequence and biophysical properties (such as structural, functional, and spatial information, amino acid conservation, physicochemical variation, residue mobility, and thermodynamic stability) indicates that this missense variant is expected to disrupt LRP5 protein function with a positive predictive value of 80%. In summary, the available evidence is currently insufficient to determine the role of this variant in disease. Therefore, it has been classified as a Variant of Uncertain Significance.

Fulgent Genetics
Classification: Uncertain significance for Worth disease; Osteoporosis with pseudoglioma; Exudative vitreoretinopathy 4; Bone mineral density quantitative trait locus 1; Autosomal dominant osteopetrosis 1; Polycystic liver disease 4 with or without kidney cysts. Last evaluated: 2024-06-06. Review status: criteria provided, single submitter. Criteria: ACMG Guidelines, 2015. Collection method: clinical testing. Allele origin: germline.

NM_002335.4(LRP5):c.316G>A (p.Gly106Ser)

Gene: LRP5 (LDL receptor related protein 5; plus strand). Cytogenetic location: 11q13.2.
Variant type: single nucleotide variant.
Coding change: c.316G>A on transcript NM_002335.4 (MANE Select); coding-DNA position 316, G replaced by A.
Protein change: p.Gly106Ser; replaces glycine 106 with serine.
Molecular consequence: missense variant. On other transcripts: 5 prime UTR variant (1).
Genome position (GRCh38, 1-based): chr11:68,348,071, G>A. VCF-style: chr11-68348071-G-A. GRCh37 (hg19) VCF-style: chr11-68115539-G-A.
Other names: c.-1450G>A (NM_001291902.2); short protein forms G106S.
Identifiers: ClinVar variation 3600177 (VCV003600177.3).